The following is an entry in ClinVar:

NM_002778.4(PSAP):c.332A>C (p.Asp111Ala)

Gene: PSAP (prosaposin; minus strand). Cytogenetic location: 10q22.1.
Variant type: single nucleotide variant.
Coding change: c.332A>C on transcript NM_002778.4 (MANE Select); coding-DNA position 332, A replaced by C.
Protein change: p.Asp111Ala; replaces aspartic acid 111 with alanine.
Molecular consequence: missense variant.
Genome position (GRCh38, 1-based): chr10:71,831,169, T>G on the plus strand (A>C on the coding strand, the complement: PSAP is on the minus strand). VCF-style: chr10-71831169-T-G. GRCh37 (hg19) VCF-style: chr10-73590926-T-G.
Other names: c.332A>C (NM_002778.2); c.332A>C, p.Asp111Ala (NM_001042465.3, NM_001042466.3); short protein forms D111A.
Identifiers: ClinVar variation 1940894 (VCV001940894.6), dbSNP rs1342627732, ClinGen allele CA377153564.
Genomic context (GRCh38, chr10:71,831,169, plus strand): 5'-TATTCCCCATCACTTACCATTTCTCCTTTAATGATGTCCAGGATGACAGGGAGGTAGGAG[T>G]CCACTATCTCCTTGCATGAAGCAGACATGTTCGGTTTCGGAAGCCAGTCACAGGTCTTCT-3'
Protein context (NP_002769.1, residues 101-121): NMSASCKEIV[Asp111Ala]SYLPVILDII

ClinVar aggregate classification (germline): Uncertain significance. Review status: criteria provided, multiple submitters, no conflicts (2 of 4 stars). 2 submissions from 2 submitters: Uncertain significance (2). Last evaluated 2026-01-19.

Conditions:
Inborn genetic diseases. Identifiers: MedGen C0950123, MeSH D030342.
Sphingolipid activator protein 1 deficiency. Also called: Saposin B Deficiency; METACHROMATIC LEUKODYSTROPHY DUE TO CEREBROSIDE SULFATASE ACTIVATOR DEFICIENCY; Metachromatic leukodystrophy due to saposin B deficiency. Identifiers: Orphanet 512, MedGen C0268262, MONDO:0009590, OMIM 249900.

gnomAD v4.1: 1 of 1,613,816 alleles (0.000062%); highest among the groups gnomAD compares: Admixed American, 0.0017%; no homozygotes.

Submissions (2):

Labcorp Genetics (formerly Invitae), Labcorp
Classification: Uncertain significance for Sphingolipid activator protein 1 deficiency. Last evaluated: 2026-01-19. Review status: criteria provided, single submitter. Criteria: Invitae Variant Classification Sherloc (09022015). Collection method: clinical testing. Allele origin: germline.
Comment: This sequence change replaces aspartic acid, which is acidic and polar, with alanine, which is neutral and non-polar, at codon 111 of the PSAP protein (p.Asp111Ala). This variant is present in population databases (no rsID available, gnomAD 0.1%). This variant has not been reported in the literature in individuals affected with PSAP-related conditions. ClinVar contains an entry for this variant (Variation ID: 1940894). Invitae Evidence Modeling of protein sequence and biophysical properties (such as structural, functional, and spatial information, amino acid conservation, physicochemical variation, residue mobility, and thermodynamic stability) has been performed for this missense variant. However, the output from this modeling did not meet the statistical confidence thresholds required to predict the impact of this variant on PSAP protein function. In summary, the available evidence is currently insufficient to determine the role of this variant in disease. Therefore, it has been classified as a Variant of Uncertain Significance.

Ambry Genetics
Classification: Uncertain significance for Inborn genetic diseases. Last evaluated: 2025-04-30. Review status: criteria provided, single submitter. Criteria: Ambry Variant Classification Scheme 2023. Collection method: clinical testing. Allele origin: germline.